The following continues an entry in ClinVar:

NM_022132.5(MCCC2):c.1015G>A (p.Val339Met)

Gene: MCCC2. ClinVar aggregate classification (germline): Pathogenic/Likely pathogenic. Pathogenic (22); Likely pathogenic (6).

Submissions 14 to 28 of 34:

Department of Pathology and Laboratory Medicine, Sinai Health System
Classification: Pathogenic for 3-methylcrotonyl-CoA carboxylase 2 deficiency. Last evaluated: 2023-09-01. Review status: criteria provided, single submitter. Criteria: ACMG Guidelines, 2015. Collection method: research. Allele origin: germline.

Equipe Genetique des Anomalies du Developpement, Université de Bourgogne
Classification: Pathogenic for 3-methylcrotonyl-CoA carboxylase 2 deficiency. Last evaluated: 2023-05-02. Review status: criteria provided, single submitter. Criteria: ACMG Guidelines, 2015. Collection method: clinical testing. Allele origin: biparental. Inheritance: Autosomal recessive inheritance. Affected: yes.

Victorian Clinical Genetics Services, Murdoch Childrens Research Institute
Classification: Pathogenic for 3-methylcrotonyl-CoA carboxylase 2 deficiency. Last evaluated: 2022-06-24. Review status: criteria provided, single submitter. Criteria: ACMG Guidelines, 2015. Collection method: clinical testing. Allele origin: germline. Inheritance: Autosomal recessive inheritance. Affected: yes.
Comment: Based on the classification scheme VCGS_Germline_v1.3.4, this variant is classified as Pathogenic. Following criteria are met: 0102 - Loss of function is a known mechanism of disease in this gene and is associated with 3-Methylcrotonyl-CoA carboxylase 2 deficiency (MIM#210210). (I) 0106 - This gene is associated with autosomal recessive disease. (I) 0112 - The condition associated with this gene has incomplete penetrance (PMID: 27033733). (I) 0115 - Variants in this gene are known to have variable expressivity (PMID: 26566957). (I) 0200 - Variant is predicted to result in a missense amino acid change from valine to methione. (I) 0252 - This variant is homozygous. (I) 0304 - Variant is present in gnomAD (v2) <0.01 for a recessive condition (209 heterozygotes, 0 homozygotes). (SP) 0309 - An alternative amino acid change at the same position has been observed in gnomAD (v2) (1 heterozygote, 0 homozygotes). (I) 0501 - Missense variant consistently predicted to be damaging by multiple in silico tools or highly conserved with a major amino acid change. (SP) 0600 - Variant is located in the annotated CoA carboxyltransferase C-terminal (UniProt). (I) 0801 - This variant has strong previous evidence of pathogenicity in unrelated individuals. This variant has been reported multiple times as pathogenic in ClinVar. It has also been reported in both homozygous and compound heterozygous individuals with 3-Methylcrotonyl-CoA carboxylase 2 deficiency (PMID: 34899149, 35281663). (I) Legend: (SP) - Supporting pathogenic, (I) - Information, (SB) - Supporting benign

Breakthrough Genomics
Classification: Pathogenic for 3-methylcrotonyl-CoA carboxylase 2 deficiency. Last evaluated: 2021-12-15. Review status: criteria provided, single submitter. Criteria: ACMG Guidelines, 2015. Collection method: clinical testing. Allele origin: germline. Affected: yes.
Comment: This variant was previously reported in several individuals affected with 3-methylcrotonyl-CoA carboxylase deficiency as compound heterozygous and as heterozygous [PMID: 22642865, 27601257, 11181649, 22642865, 22264772]. Functional studies have shown that the variant is associated with approximately 4% residual enzyme activity compared to wildtype in vitro [PMID: 11181649, 17908719].

Institute for Clinical Genetics, University Hospital TU Dresden, University Hospital TU Dresden
Classification: Likely pathogenic. Last evaluated: 2021-11-03. Review status: criteria provided, single submitter. Criteria: ACMG Guidelines, 2015. Collection method: clinical testing. Allele origin: germline.

Laboratorio de Genetica e Diagnostico Molecular, Hospital Israelita Albert Einstein
Classification: Pathogenic. Last evaluated: 2021-10-15. Review status: criteria provided, single submitter. Criteria: ACMG Guidelines, 2015. Collection method: clinical testing. Allele origin: germline. Affected: yes.
Comment: ACMG classification criteria: PS3, PM3, PP3

Ambry Genetics
Classification: Pathogenic for Inborn genetic diseases. Last evaluated: 2021-08-14. Review status: criteria provided, single submitter. Criteria: Ambry Variant Classification Scheme 2023. Collection method: clinical testing. Allele origin: germline.
Comment: The c.1015G>A (p.V339M) alteration is located in exon 11 (coding exon 11) of the MCCC2 gene. This alteration results from a G to A substitution at nucleotide position 1015, causing the valine (V) at amino acid position 339 to be replaced by a methionine (M). This mutation has been reported in both the homozygous and compound heterozygous state in individuals with 3-methylcrotonyl-CoA carboxylase 2 deficiency (Gr&uuml;nert, 2012; Fonseca, 2016; Posey, 2017; Alsemari, 2018; Monies, 2019). Several were asymptomatic and identified via newborn screening; however, at least two individuals presented with developmental delay or failure to thrive (Fonseca, 2016; Monies, 2019). One patient with a more complex presentation of intellectual disability, short stature, osteopetrosis, calcification of basal ganglia, and thinning of the corpus callosum was homozygous for this mutation as well as variants in three other genes; MCCC2 p.V339M was not thought to explain the patient's phenotype (Alsemari, 2018). In vitro analysis of this mutation demonstrated reduced enzyme activity (4%) compared to wild type (Baumgartner, 2001). This alteration is predicted to be deleterious by in silico analysis. Based on the available evidence, this alteration is classified as pathogenic.

Genome-Nilou Lab
Classification: Pathogenic for 3-methylcrotonyl-CoA carboxylase 2 deficiency. Last evaluated: 2021-06-10. Review status: criteria provided, single submitter. Criteria: ACMG Guidelines, 2015. Collection method: clinical testing. Allele origin: germline. Affected: no.

Genomic Research Center, Shahid Beheshti University of Medical Sciences
Classification: Likely pathogenic for 3-methylcrotonyl-CoA carboxylase 2 deficiency. Last evaluated: 2020-05-03. Review status: criteria provided, single submitter. Criteria: ACMG Guidelines, 2015. Collection method: clinical testing. Allele origin: unknown. Affected: yes.

Elsea Laboratory, Baylor College of Medicine
Classification: Pathogenic for 3-methylcrotonyl-CoA carboxylase 2 deficiency. Last evaluated: 2020-04-01. Review status: criteria provided, single submitter. Criteria: ACMG Guidelines, 2015. Collection method: clinical testing. Allele origin: maternal. Affected: no.

GeneDx
Classification: Pathogenic. Last evaluated: 2020-03-06. Review status: criteria provided, single submitter. Criteria: GeneDx Variant Classification Process June 2021. Collection method: clinical testing. Allele origin: germline. Affected: yes.
Comment: Published functional studies demonstrated that V339M was associated with approximately 4% residual enzyme activity compared to wildtype (Baumgartner et al., 2001); In silico analysis, which includes protein predictors and evolutionary conservation, supports a deleterious effect; This variant is associated with the following publications: (PMID: 25525159, 25087612, 27601257, 16835865, 27033733, 11181649, 27391121, 26990548, 27959697, 22642865, 25356967, 22264772, 17908719, 30510438, 31130284, 34426522, 33238263, 32778825, 33077954)

Illumina Laboratory Services, Illumina
Classification: Likely pathogenic for 3-methylcrotonyl-CoA carboxylase 2 deficiency. Last evaluated: 2019-04-05. Review status: criteria provided, single submitter. Criteria: ICSL Variant Classification Criteria 09 May 2019. Collection method: clinical testing. Allele origin: germline.
Comment: The MCCC2 c.1015G>A (p.Val339Met) missense variant has been reported in at least four studies in which it was found in at least seven individuals with 3-Methylcrotonyl-CoA carboxylase (3-MCC) deficiency, including in two individuals in a compound heterozygous state and in five individuals in a heterozygous state without a second allele detected (Baumgartner et al. 2001; Wolfe et al. 2007; Grunert et al. 2012; Morscher et al. 2012). The p.Val339Met variant was also found in a compound heterozygous state in nine asymptomatic individuals, eight of whom were identified during newborn screening and presented with biochemical markers associated with 3-MCC deficiency (Grunert et al. 2012; Fonseca et al. 2016). In addition, the variant was also detected in a compound heterozygous state in one individual in whom affected status was unknown and in a heterozygous state in one asymptomatic individual (Grunert et al. 2012; Fonseca et al. 2016). Several of the asymptomatic compound heterozygous individuals carried null alleles on the second allele (Fonseca et al. 2016). The p.Val339Met variant was absent from 200 control chromosomes (Morscher et al. 2012) and is reported at a frequency of 0.00279 in the Other population of the Genome Aggregation Database. The Val339 residue is conserved across species and expression studies in proband fibroblasts found the p.Val339Met variant resulted in 4-12% residual enzyme activity compared to wild type (Baumgartner et al. 2001; Wolfe et al. 2007). Based on the collective evidence, the p.Val399Met variant is classified as likely pathogenic for 3-MCC deficiency. This variant was observed by ICSL as part of a predisposition screen in an ostensibly healthy population.

Institute for Medical Genetics and Human Genetics, Charité - Universitätsmedizin Berlin
Classification: Likely pathogenic. Review status: criteria provided, single submitter. Criteria: ACMG Guidelines, 2015. Collection method: not provided. Allele origin: germline. Affected: yes.

Juno Genomics, Hangzhou Juno Genomics, Inc
Classification: Pathogenic for 3-methylcrotonyl-CoA carboxylase 2 deficiency. Review status: criteria provided, single submitter. Criteria: ACMG Guidelines, 2015. Collection method: clinical testing. Allele origin: germline.
Comment: Absent from controls (or at extremely low frequency if recessive) in Genome Aggregation Database.;Multiple lines of computational evidence support a deleterious effect on the gene or gene product.;For recessive disorders, detected in trans with a pathogenic variant.;Patient's phenotype or family history is highly specific for a disease with a single genetic etiology.

Kariminejad - Najmabadi Pathology & Genetics Center
Classification: Likely pathogenic for 3-methylcrotonyl-CoA carboxylase 2 deficiency. Review status: criteria provided, single submitter. Criteria: ACMG Guidelines, 2015. Collection method: clinical testing. Allele origin: germline. Affected: no.